The following is an entry in ClinVar:

ClinVar aggregate classification (germline): Uncertain significance (1 of 4 stars; one submission).

Submission:

GeneDx
Classification: Uncertain significance. Last evaluated: 2022-12-12. Review status: criteria provided, single submitter. Criteria: GeneDx Variant Classification Process June 2021. Collection method: clinical testing. Allele origin: germline. Affected: yes.
Comment: Not observed at significant frequency in large population cohorts (gnomAD); In silico analysis supports that this missense variant does not alter protein structure/function; Has not been previously published as pathogenic or benign to our knowledge

NM_152703.5(SAMD9L):c.3444C>G (p.Asp1148Glu)

Gene: SAMD9L (sterile alpha motif domain containing 9 like; minus strand). Cytogenetic location: 7q21.2.
Variant type: single nucleotide variant.
Coding change: c.3444C>G on transcript NM_152703.5 (MANE Select); coding-DNA position 3444, C replaced by G.
Protein change: p.Asp1148Glu; replaces aspartic acid 1148 with glutamic acid.
Molecular consequence: missense variant.
Genome position (GRCh38, 1-based): chr7:93,132,528, G>C on the plus strand (C>G on the coding strand, the complement: SAMD9L is on the minus strand). VCF-style: chr7-93132528-G-C. GRCh37 (hg19) VCF-style: chr7-92761841-G-C.
Other names: c.3444C>G, p.Asp1148Glu (NM_001303496.3, NM_001303497.3, NM_001303498.3 and 5 more transcripts); short protein forms D1148E.
Identifiers: ClinVar variation 2505749 (VCV002505749.1), dbSNP rs2535412208, ClinGen allele CA368182412.
Genomic context (GRCh38, chr7:93,132,528, plus strand): 5'-CCTTTGGGATTCTTTGAAAGCTCTTGAGGCTTTTTCCGCAGCTTCTAGGAGATGTGTTAG[G>C]TCATTAACAGTAATGCTCCTACAGTTTTTGTTCCCATCCAACCACCATTTGATTTCACTT-3'
Protein context (NP_689916.2, residues 1138-1158): NKNCRSITVN[Asp1148Glu]LTHLLEAAEK